The following is an entry in ClinVar:

ClinVar aggregate classification (germline): Benign/Likely benign. Review status: criteria provided, multiple submitters, no conflicts (2 of 4 stars). 3 submissions from 3 submitters: Benign (1); Likely benign (2). Last evaluated 2025-02-27.

Conditions:
Multiple endocrine neoplasia, type 2 (MEN2). Identifiers: Orphanet 653, MedGen C4048306, MONDO:0019003. Disease mechanism: gain of function.
Multiple endocrine neoplasia type 2A. Also called: MULTIPLE ENDOCRINE NEOPLASIA, TYPE IIA; PTC SYNDROME; SIPPLE SYNDROME; MEN 2A; MEN-2A syndrome; Pheochromocytoma and amyloid producing medullary thyroid carcinoma. Identifiers: Orphanet 247698, Orphanet 653, MedGen C0025268, MeSH D018813, MONDO:0008234, OMIM 171400.
Hereditary cancer-predisposing syndrome. Also called: Tumor predisposition; Neoplastic Syndromes, Hereditary; Hereditary neoplastic syndrome; Hereditary Cancer Syndrome. Identifiers: Orphanet 140162, MedGen C0027672, MeSH D009386, MONDO:0015356.

Allele frequency attached by ClinVar (database versions not stated): ESP Exome Variant Server 0.00008.

Submissions (3):

Myriad Genetics, Inc.
Classification: Benign for Multiple endocrine neoplasia type 2A. Last evaluated: 2025-02-27. Review status: criteria provided, single submitter. Criteria: Myriad Autosomal Dominant, Autosomal Recessive and X-Linked Classification Criteria (2023). Collection method: clinical testing. Allele origin: unknown.
Comment: This variant is considered benign. This variant is a silent/synonymous amino acid change and it is not expected to impact splicing.

Ambry Genetics
Classification: Likely benign for Hereditary cancer-predisposing syndrome. Last evaluated: 2023-03-09. Review status: criteria provided, single submitter. Criteria: Ambry Variant Classification Scheme 2023. Collection method: clinical testing. Allele origin: germline.

Labcorp Genetics (formerly Invitae), Labcorp
Classification: Likely benign for Multiple endocrine neoplasia, type 2. Last evaluated: 2022-09-06. Review status: criteria provided, single submitter. Criteria: Invitae Variant Classification Sherloc (09022015). Collection method: clinical testing. Allele origin: germline.

NM_020975.6(RET):c.2583G>A (p.Gly861=)

Gene: RET (ret proto-oncogene; plus strand). Cytogenetic location: 10q11.21.
Variant type: single nucleotide variant.
Coding change: c.2583G>A on transcript NM_020975.6 (MANE Select); coding-DNA position 2583, G replaced by A.
Protein change: p.Gly861=; no amino-acid change (glycine 861 retained).
Molecular consequence: synonymous variant.
Genome position (GRCh38, 1-based): chr10:43,119,721, G>A. VCF-style: chr10-43119721-G-A. GRCh37 (hg19) VCF-style: chr10-43615169-G-A.
Other names: c.2583G>A, p.Gly861= (NM_000323.2, NM_001406743.1, NM_001406744.1 and 4 more transcripts); c.1821G>A, p.Gly607= (NM_001355216.2); c.2454G>A, p.Gly818= (NM_001406761.1, NM_001406762.1, NM_001406764.1); c.2448G>A, p.Gly816= (NM_001406763.1, NM_001406765.1); c.2295G>A, p.Gly765= (NM_001406766.1, NM_001406767.1, NM_001406770.1); c.2319G>A, p.Gly773= (NM_001406768.1); c.2187G>A, p.Gly729= (NM_001406769.1, NM_001406772.1); c.2145G>A, p.Gly715= (NM_001406771.1, NM_001406773.1); and 10 more.
Identifiers: ClinVar variation 1149215 (VCV001149215.12), dbSNP rs146628741, ClinGen allele CA206266639.